The following is an entry in ClinVar:

ClinVar aggregate classification (germline): Uncertain significance (1 of 4 stars; one submission).

Conditions:
Fanconi anemia (FA). Also called: Fanconi's anemia. Identifiers: Orphanet 84, MedGen C0015625, MeSH D005199, MONDO:0019391.

Allele frequency attached by ClinVar (database versions not stated): TOPMed below 0.00001; gnomAD 0.00001; ExAC 0.00002.

Submission:

Labcorp Genetics (formerly Invitae), Labcorp
Classification: Uncertain significance for Fanconi anemia. Last evaluated: 2022-09-07. Review status: criteria provided, single submitter. Criteria: Invitae Variant Classification Sherloc (09022015). Collection method: clinical testing. Allele origin: germline.
Comment: This sequence change replaces histidine, which is basic and polar, with asparagine, which is neutral and polar, at codon 716 of the FANCA protein (p.His716Asn). This variant is present in population databases (rs754896727, gnomAD 0.007%). This variant has not been reported in the literature in individuals affected with FANCA-related conditions. ClinVar contains an entry for this variant (Variation ID: 1011444). Advanced modeling of protein sequence and biophysical properties (such as structural, functional, and spatial information, amino acid conservation, physicochemical variation, residue mobility, and thermodynamic stability) performed at Invitae indicates that this missense variant is not expected to disrupt FANCA protein function. In summary, the available evidence is currently insufficient to determine the role of this variant in disease. Therefore, it has been classified as a Variant of Uncertain Significance.

NM_000135.4(FANCA):c.2146C>A (p.His716Asn)

Gene: FANCA (FA complementation group A; minus strand). Cytogenetic location: 16q24.3.
Variant type: single nucleotide variant.
Coding change: c.2146C>A on transcript NM_000135.4 (MANE Select); coding-DNA position 2146, C replaced by A.
Protein change: p.His716Asn; replaces histidine 716 with asparagine.
Molecular consequence: missense variant.
Genome position (GRCh38, 1-based): chr16:89,771,683, G>T on the plus strand (C>A on the coding strand, the complement: FANCA is on the minus strand). VCF-style: chr16-89771683-G-T. GRCh37 (hg19) VCF-style: chr16-89838091-G-T.
Other names: c.2146C>A, p.His716Asn (NM_001286167.3); short protein forms H716N.
Identifiers: ClinVar variation 1011444 (VCV001011444.6), dbSNP rs754896727, ClinGen allele CA8251893.